The following is an entry in ClinVar:

ClinVar aggregate classification (germline): Uncertain significance (1 of 4 stars; one submission).

Submission:

CeGaT Center for Human Genetics Tuebingen
Classification: Uncertain significance. Last evaluated: 2025-06-01. Review status: criteria provided, single submitter. Criteria: CeGaT Center For Human Genetics Tuebingen Variant Classification Criteria Version 2. Collection method: clinical testing. Allele origin: germline. Affected: yes. Observed: 1 variant allele.
Comment: RELN: PM2

NM_005045.4(RELN):c.455C>T (p.Thr152Ile)

Gene: RELN (reelin; minus strand). Cytogenetic location: 7q22.1.
Variant type: single nucleotide variant.
Coding change: c.455C>T on transcript NM_005045.4 (MANE Select); coding-DNA position 455, C replaced by T.
Protein change: p.Thr152Ile; replaces threonine 152 with isoleucine.
Molecular consequence: missense variant.
Genome position (GRCh38, 1-based): chr7:103,833,555, G>A on the plus strand (C>T on the coding strand, the complement: RELN is on the minus strand). VCF-style: chr7-103833555-G-A. GRCh37 (hg19) VCF-style: chr7-103474002-G-A.
Other names: c.455C>T, p.Thr152Ile (NM_173054.3); short protein forms T152I.
Identifiers: ClinVar variation 4085283 (VCV004085283.8).
Genomic context (GRCh38, chr7:103,833,555, plus strand): 5'-TATTTGCCTTCTGTACGTATGGCAGACACTTTGGGTACTTACATGAAATTCACACAGCCT[G>A]TGCCCGCAGGTGGAGCAATCCAGATGAAACTGAGGTTGGTTGTGGGCAGGTGACTCACGT-3'
Protein context (NP_005036.2, residues 142-162): SFIWIAPPAG[Thr152Ile]GCVNFMATAT